The following is an entry in ClinVar:

NM_005902.4(SMAD3):c.681C>T (p.Cys227=)

Gene: SMAD3 (SMAD family member 3; plus strand). Cytogenetic location: 15q22.33.
Variant type: single nucleotide variant.
Coding change: c.681C>T on transcript NM_005902.4 (MANE Select); coding-DNA position 681, C replaced by T.
Protein change: p.Cys227=; no amino-acid change (cysteine 227 retained).
Molecular consequence: synonymous variant.
Genome position (GRCh38, 1-based): chr15:67,181,263, C>T. VCF-style: chr15-67181263-C-T. GRCh37 (hg19) VCF-style: chr15-67473601-C-T.
Other names: c.366C>T, p.Cys122= (NM_001145102.2); c.549C>T, p.Cys183= (NM_001145103.2); c.96C>T, p.Cys32= (NM_001145104.2).
Identifiers: ClinVar variation 477577 (VCV000477577.11), dbSNP rs753539358, ClinGen allele CA062565.
Genomic context (GRCh38, chr15:67,181,263, plus strand): 5'-GACACCCAATGACCCAGTAGCCCACCCTGTGTCCACAGACCTGCAGCCAGTTACCTACTG[C>T]GAGCCGGCCTTCTGGTGCTCCATCTCCTACTACGAGCTGAACCAGCGCGTCGGGGAGACA-3'
Protein context (NP_005893.1, residues 217-237): NNLDLQPVTY[Cys227=]EPAFWCSISY

ClinVar aggregate classification (germline): Likely benign. Review status: criteria provided, multiple submitters, no conflicts (2 of 4 stars). 3 submissions from 3 submitters: Likely benign (3). Last evaluated 2025-12-14.

Conditions:
SMAD3-related disorder. Also called: SMAD3-related condition.
Familial thoracic aortic aneurysm and aortic dissection (TAAD). Also called: Thoracic aortic aneurysms and dissections. Identifiers: Orphanet 91387, MedGen C4707243, MONDO:0019625.

Allele frequency attached by ClinVar (database versions not stated): gnomAD exomes 0.00001 and 0.00002; ExAC 0.00002; TOPMed 0.00002.
gnomAD v4.1: 16 of 1,613,084 alleles (0.00099%); highest among the groups gnomAD compares: East Asian, 0.013%; no homozygotes.

Submissions (3):

PreventionGenetics, part of Exact Sciences
Classification: Likely benign for SMAD3-related condition. Last evaluated: 2025-12-14. Review status: criteria provided, single submitter. Criteria: ACMG Guidelines, 2015. Collection method: clinical testing. Allele origin: germline.
Comment: This variant is classified as likely benign based on ACMG/AMP sequence variant interpretation guidelines (Richards et al. 2015 PMID: 25741868, with internal and published modifications).

Labcorp Genetics (formerly Invitae), Labcorp
Classification: Likely benign for Familial thoracic aortic aneurysm and aortic dissection. Last evaluated: 2025-07-17. Review status: criteria provided, single submitter. Criteria: Invitae Variant Classification Sherloc (09022015). Collection method: clinical testing. Allele origin: germline.

Ambry Genetics
Classification: Likely benign for Familial thoracic aortic aneurysm and aortic dissection. Last evaluated: 2024-10-24. Review status: criteria provided, single submitter. Criteria: Ambry Variant Classification Scheme 2023. Collection method: clinical testing. Allele origin: germline.